The following is an entry in ClinVar:

ClinVar aggregate classification (germline): Uncertain significance (1 of 4 stars; one submission).

Conditions:
Focal segmental glomerulosclerosis 5 (FSGS5). Identifiers: Orphanet 656, MedGen C2750475, MONDO:0013191, OMIM 613237.
Charcot-Marie-Tooth disease dominant intermediate E. Also called: CHARCOT-MARIE-TOOTH NEUROPATHY WITH FOCAL SEGMENTAL GLOMERULONEPHRITIS. Identifiers: Orphanet 93114, MedGen C4302667, MONDO:0013758, OMIM 614455.

gnomAD v4.1: 1 of 1,305,814 alleles (0.000077%); highest among the groups gnomAD compares: Non-Finnish European, 0.0001%; no homozygotes.

Submission:

Labcorp Genetics (formerly Invitae), Labcorp
Classification: Uncertain significance for Charcot-Marie-Tooth disease dominant intermediate E; Focal segmental glomerulosclerosis 5. Last evaluated: 2024-08-20. Review status: criteria provided, single submitter. Criteria: Invitae Variant Classification Sherloc (09022015). Collection method: clinical testing. Allele origin: germline.
Comment: This sequence change replaces glycine, which is neutral and non-polar, with valine, which is neutral and non-polar, at codon 432 of the INF2 protein (p.Gly432Val). This variant is not present in population databases (gnomAD no frequency). This variant has not been reported in the literature in individuals affected with INF2-related conditions. Invitae Evidence Modeling of protein sequence and biophysical properties (such as structural, functional, and spatial information, amino acid conservation, physicochemical variation, residue mobility, and thermodynamic stability) indicates that this missense variant is not expected to disrupt INF2 protein function with a negative predictive value of 95%. In summary, the available evidence is currently insufficient to determine the role of this variant in disease. Therefore, it has been classified as a Variant of Uncertain Significance.

NM_022489.4(INF2):c.1295G>T (p.Gly432Val)

Gene: INF2 (inverted formin 2; plus strand). Cytogenetic location: 14q32.33.
Variant type: single nucleotide variant.
Coding change: c.1295G>T on transcript NM_022489.4 (MANE Select); coding-DNA position 1295, G replaced by T.
Protein change: p.Gly432Val; replaces glycine 432 with valine.
Molecular consequence: missense variant. On other transcripts: non-coding transcript variant (1).
Genome position (GRCh38, 1-based): chr14:104,707,562, G>T. VCF-style: chr14-104707562-G-T. GRCh37 (hg19) VCF-style: chr14-105173899-G-T.
Other names: c.1295G>T, p.Gly432Val (NM_001031714.4, NM_001426862.1, NM_001426863.1 and 2 more transcripts); short protein forms G432V.
Identifiers: ClinVar variation 3752259 (VCV003752259.2).